The following is an entry in ClinVar:

ClinVar aggregate classification (germline): Likely pathogenic. Review status: criteria provided, single submitter (1 of 4 stars). 2 submissions from 2 submitters: Likely pathogenic (1). 1 of the submissions does not count toward it. Last evaluated 2022-09-05.

Conditions:
Cystic fibrosis (CF). Also called: MUCOVISCIDOSIS. Identifiers: Orphanet 586, MedGen C0010674, MONDO:0009061, OMIM 219700. Disease mechanism: loss of function.

Allele frequency attached by ClinVar (database versions not stated): gnomAD exomes below 0.00001.
gnomAD v4.1: 1 of 1,539,996 alleles (0.000065%); highest among the groups gnomAD compares: Non-Finnish European, 0.000087%; no homozygotes.

Submissions (2):

Institute of Human Genetics, University of Leipzig Medical Center
Classification: Likely pathogenic for Cystic fibrosis. Last evaluated: 2022-09-05. Review status: criteria provided, single submitter. Criteria: ACMG Guidelines, 2015. Collection method: curation. Allele origin: unknown. Affected: yes. Observed: 1 variant allele.
Comment: The variant was classified in the context of a project re-classifying variants in the German Cystic Fibrosis Registry (Muko.e.V.). Criteria applied: PS3_SUP, PM2_SUP, PM3, PP3, PP4

ClinVar Staff, National Center for Biotechnology Information (NCBI)
No classification provided. Condition: CFTR-related disorders. Review status: no classification provided. Collection method: literature only. Allele origin: germline. Affected: yes. Not counted in ClinVar's aggregate classification.

Literature cited by the submitters: PubMed 9849891 (cited by ClinVar Staff, National Center for Biotechnology Information (NCBI)).

NM_000492.4(CFTR):c.2464G>A (p.Glu822Lys)

Gene: CFTR (CF transmembrane conductance regulator; plus strand). Cytogenetic location: 7q31.2.
Variant type: single nucleotide variant.
Coding change: c.2464G>A on transcript NM_000492.4 (MANE Select); coding-DNA position 2464, G replaced by A.
Protein change: p.Glu822Lys; replaces glutamic acid 822 with lysine.
Molecular consequence: missense variant.
Genome position (GRCh38, 1-based): chr7:117,592,631, G>A. VCF-style: chr7-117592631-G-A. GRCh37 (hg19) VCF-style: chr7-117232685-G-A.
Other names: short protein forms E822K.
Identifiers: ClinVar variation 53491 (VCV000053491.2), dbSNP rs397508378, ClinGen allele CA326820.